The following is an entry in ClinVar:

ClinVar aggregate classification (germline): Uncertain significance (1 of 4 stars; one submission).

Submission:

GeneDx
Classification: Uncertain significance. Last evaluated: 2024-07-01. Review status: criteria provided, single submitter. Criteria: GeneDx Variant Classification Process June 2021. Collection method: clinical testing. Allele origin: germline. Affected: yes.
Comment: Not observed at significant frequency in large population cohorts (gnomAD); In silico analysis supports that this missense variant has a deleterious effect on protein structure/function; Has not been previously published as pathogenic or benign to our knowledge

NM_015100.4(POGZ):c.1766C>T (p.Pro589Leu)

Gene: POGZ (pogo transposable element derived with ZNF domain; minus strand). Cytogenetic location: 1q21.3.
Variant type: single nucleotide variant.
Coding change: c.1766C>T on transcript NM_015100.4 (MANE Select); coding-DNA position 1766, C replaced by T.
Protein change: p.Pro589Leu; replaces proline 589 with leucine.
Molecular consequence: missense variant.
Genome position (GRCh38, 1-based): chr1:151,412,309, G>A on the plus strand (C>T on the coding strand, the complement: POGZ is on the minus strand). VCF-style: chr1-151412309-G-A. GRCh37 (hg19) VCF-style: chr1-151384785-G-A.
Other names: c.1739C>T, p.Pro580Leu (NM_001194937.2); c.1580C>T, p.Pro527Leu (NM_001194938.2); c.1787C>T, p.Pro596Leu (NM_001410860.1); c.1481C>T, p.Pro494Leu (NM_145796.4); c.1607C>T, p.Pro536Leu (NM_207171.2); short protein forms P536L, P580L, P527L, P589L, P494L, P596L.
Identifiers: ClinVar variation 3393724 (VCV003393724.1).